The following is an entry in ClinVar:

ClinVar aggregate classification (germline): Likely pathogenic (1 of 4 stars; one submission).

Conditions:
CIROP-related disorder. Also called: CIROP-related condition.

gnomAD v4.1: 6 of 667,576 alleles (0.0009%); highest among the groups gnomAD compares: Middle Eastern, 0.048%; no homozygotes.

Submission:

PreventionGenetics, part of Exact Sciences
Classification: Likely pathogenic for CIROP-related condition. Last evaluated: 2025-06-03. Review status: criteria provided, single submitter. Criteria: ACMG Guidelines, 2015. Collection method: clinical testing. Allele origin: germline.
Comment: The CIROP c.1487G>A variant is predicted to result in premature protein termination (p.Trp496*). To our knowledge, this variant has not been reported in the literature. This variant is reported in 0.011% of alleles in individuals of African descent in gnomAD. Nonsense variants in CIROP are expected to be pathogenic. This variant is interpreted as likely pathogenic.

NM_001354640.2(CIROP):c.1487G>A (p.Trp496Ter)

Gene: CIROP (ciliated left-right organizer metallopeptidase; minus strand). Cytogenetic location: 14q11.2.
Variant type: single nucleotide variant.
Coding change: c.1487G>A on transcript NM_001354640.2 (MANE Select); coding-DNA position 1487, G replaced by A.
Protein change: p.Trp496Ter; replaces tryptophan 496 with a stop codon.
Molecular consequence: nonsense.
Genome position (GRCh38, 1-based): chr14:23,101,554, C>T on the plus strand (G>A on the coding strand, the complement: CIROP is on the minus strand). VCF-style: chr14-23101554-C-T. GRCh37 (hg19) VCF-style: chr14-23570763-C-T.
Other names: c.1322G>A, p.Trp441Ter (NM_001402427.1); short protein forms W441*, W496*.
Identifiers: ClinVar variation 4983478 (VCV004983478.1).
Genomic context (GRCh38, chr14:23,101,554, plus strand): 5'-GGATGGTAGATCTCCCCATGGGGATTATCCACCCCAGCAGGGAATCCGTTTTCCTTCTTC[C>T]AGCATTCACTCTGAAGGGCAGGTCAGAAGTAGAATAGTGTTTGTTCTGATGCCTTTGAAG-3'